The following is an entry in ClinVar:

ClinVar aggregate classification (germline): Uncertain significance (1 of 4 stars; one submission).

Conditions:
DIP2B-related disorder. Also called: DIP2B-related condition.

Submission:

PreventionGenetics, part of Exact Sciences
Classification: Uncertain significance for DIP2B-related condition. Last evaluated: 2025-01-05. Review status: criteria provided, single submitter. Criteria: ACMG Guidelines, 2015. Collection method: clinical testing. Allele origin: germline.
Comment: The DIP2B c.3074A>G variant is predicted to result in the amino acid substitution p.Gln1025Arg. To our knowledge, this variant has not been reported in the literature or in a large population database (gnomAD), indicating this variant is rare. At this time, the clinical significance of this variant is uncertain due to the absence of conclusive functional and genetic evidence.

NM_173602.3(DIP2B):c.3074A>G (p.Gln1025Arg)

Gene: DIP2B (DIP2 acetate--CoA ligase B (putative); plus strand). Cytogenetic location: 12q13.12.
Variant type: single nucleotide variant.
Coding change: c.3074A>G on transcript NM_173602.3 (MANE Select); coding-DNA position 3074, A replaced by G.
Protein change: p.Gln1025Arg; replaces glutamine 1025 with arginine.
Molecular consequence: missense variant.
Genome position (GRCh38, 1-based): chr12:50,721,304, A>G. VCF-style: chr12-50721304-A-G. GRCh37 (hg19) VCF-style: chr12-51115087-A-G.
Other names: short protein forms Q1025R.
Identifiers: ClinVar variation 4998892 (VCV004998892.1).